The following is an entry in ClinVar:

ClinVar aggregate classification (germline): Uncertain significance (1 of 4 stars; one submission).

Conditions:
Cardiovascular phenotype. Identifiers: MedGen CN230736.

Allele frequency attached by ClinVar (database versions not stated): gnomAD 0.00001; gnomAD exomes 0.00001; TOPMed 0.00001.
gnomAD v4.1: 20 of 1,549,936 alleles (0.0013%); highest among the groups gnomAD compares: Admixed American, 0.0098%; no homozygotes.

Submission:

Ambry Genetics
Classification: Uncertain significance for Cardiovascular phenotype. Last evaluated: 2022-02-02. Review status: criteria provided, single submitter. Criteria: Ambry Variant Classification Scheme 2023. Collection method: clinical testing. Allele origin: germline.
Comment: The p.S1445F variant (also known as c.4334C>T), located in coding exon 2 of the ZNF469 gene, results from a C to T substitution at nucleotide position 4334. The serine at codon 1445 is replaced by phenylalanine, an amino acid with highly dissimilar properties. This amino acid position is conserved. In addition, this alteration is predicted to be tolerated by in silico analysis. Since supporting evidence is limited at this time, the clinical significance of this alteration remains unclear.

NM_001367624.2(ZNF469):c.4418C>T (p.Ser1473Phe)

Gene: ZNF469 (zinc finger protein 469; plus strand). Cytogenetic location: 16q24.2.
Variant type: single nucleotide variant.
Coding change: c.4418C>T on transcript NM_001367624.2 (MANE Select); coding-DNA position 4418, C replaced by T.
Protein change: p.Ser1473Phe; replaces serine 1473 with phenylalanine.
Molecular consequence: missense variant.
Genome position (GRCh38, 1-based): chr16:88,431,888, C>T. VCF-style: chr16-88431888-C-T. GRCh37 (hg19) VCF-style: chr16-88498296-C-T.
Other names: NM_001127464.1:c.4334C>T; short protein forms S1473F.
Identifiers: ClinVar variation 1739804 (VCV001739804.2), dbSNP rs1472189587, ClinGen allele CA397091840.